The following is an entry in ClinVar:

ClinVar aggregate classification (germline): Pathogenic/Likely pathogenic. Review status: criteria provided, multiple submitters, no conflicts (2 of 4 stars). 3 submissions from 3 submitters: Pathogenic (2); Likely pathogenic (1). Last evaluated 2025-09-14.

Conditions:
Mucopolysaccharidosis, MPS-III-C (MPS3C). Also called: mucopolysaccharidosis type 3C; SANFILIPPO SYNDROME C; MPS III C; MPS IIIC (Sanfilippo Syndrome Type C); MUCOPOLYSACCHARIDOSIS, TYPE IIIC; Mucopolysaccharidosis type IIIC (Sanfilippo C). Identifiers: Orphanet 581, Orphanet 79271, MedGen C0086649, MONDO:0009657, OMIM 252930.
Retinitis pigmentosa 73 (RP73). Identifiers: Orphanet 791, MedGen C4225287, MONDO:0014687, OMIM 616544.

Submissions (3):

Myriad Genetics, Inc.
Classification: Pathogenic for Mucopolysaccharidosis, MPS-III-C. Last evaluated: 2025-09-14. Review status: criteria provided, single submitter. Criteria: Myriad Autosomal Dominant, Autosomal Recessive and X-Linked Classification Criteria (2023). Collection method: clinical testing. Allele origin: unknown.
Comment: NM_152419.2(HGSNAT):c.505dupG(A169Gfs*23) is expected to be pathogenic in the context of mucopolysaccharidosis type IIIC. This variant is predicted to lead to an abnormal or absent protein product due to the creation of a premature termination codon in HGSNAT, a gene where loss-of-function variants are known to be pathogenic. Please note: this variant was assessed in the context of healthy population screening.

Laboratory of Medical Genetics, National & Kapodistrian University of Athens
Classification: Likely pathogenic for Mucopolysaccharidosis, MPS-III-C. Last evaluated: 2024-02-01. Review status: criteria provided, single submitter. Criteria: ACMG Guidelines, 2015. Collection method: curation. Allele origin: germline. Affected: no.

Labcorp Genetics (formerly Invitae), Labcorp
Classification: Pathogenic for Retinitis pigmentosa 73; Mucopolysaccharidosis, MPS-III-C. Last evaluated: 2023-05-30. Review status: criteria provided, single submitter. Criteria: Invitae Variant Classification Sherloc (09022015). Collection method: clinical testing. Allele origin: germline.
Comment: For these reasons, this variant has been classified as Pathogenic. This variant has not been reported in the literature in individuals affected with HGSNAT-related conditions. This variant is not present in population databases (gnomAD no frequency). This sequence change creates a premature translational stop signal (p.Ala169Glyfs*23) in the HGSNAT gene. It is expected to result in an absent or disrupted protein product. Loss-of-function variants in HGSNAT are known to be pathogenic (PMID: 17033958, 19479962).

Literature cited by the submitters: PubMed 17033958 (cited by Labcorp Genetics (formerly Invitae), Labcorp); PubMed 19479962 (cited by Labcorp Genetics (formerly Invitae), Labcorp).

NM_152419.3(HGSNAT):c.505dup (p.Ala169fs)

Gene: HGSNAT (heparan-alpha-glucosaminide N-acetyltransferase; plus strand). Cytogenetic location: 8p11.21.
Variant type: Duplication.
Coding change: c.505dup on transcript NM_152419.3 (MANE Select); coding-DNA position 505, one base duplicated (G; older notation c.505dupG).
Protein change: p.Ala169fs; shifts the reading frame from alanine 169.
Molecular consequence: frameshift variant. On other transcripts: 5 prime UTR variant (1).
Genome position (GRCh38, 1-based): chr8:43,161,449, G duplicated. VCF-style (leftmost placement, unchanged base first): chr8-43161448-T-TG. GRCh37 (hg19) VCF-style: chr8-43016591-T-TG.
Other names: c.505dup, p.Ala169fs (NM_001363227.2, NM_001363228.2); c.-329dup (NM_001363229.2); short protein forms A169fs.
Identifiers: ClinVar variation 2948381 (VCV002948381.5), dbSNP rs2486918970, ClinGen allele CA2740095028.